The following is an entry in ClinVar:

NM_001365088.1(SLC12A6):c.984del (p.Met329fs)

Gene: SLC12A6 (solute carrier family 12 member 6; minus strand). Cytogenetic location: 15q14.
Variant type: Deletion.
Coding change: c.984del on transcript NM_001365088.1 (MANE Select); coding-DNA position 984, one base deleted (T; older notation c.984delT).
Protein change: p.Met329fs; shifts the reading frame from methionine 329.
Molecular consequence: frameshift variant.
Genome position (GRCh38, 1-based): chr15:34,254,482, A deleted on the plus strand (T on the coding strand, the reverse complement: SLC12A6 is on the minus strand); the first of 2 consecutive A bases (chr15:34,254,482-34,254,483); deleting either gives the same sequence. VCF-style (leftmost placement, unchanged base first): chr15-34254481-TA-T. GRCh37 (hg19) VCF-style: chr15-34546682-TA-T.
Other names: c.807del, p.Met270fs (NM_001042494.2, NM_001042495.2); c.957del, p.Met320fs (NM_001042496.2); c.939del, p.Met314fs (NM_001042497.2); c.831del, p.Met278fs (NM_005135.2); c.984del, p.Met329fs (NM_133647.2); short protein forms M270fs, M278fs, M314fs, M320fs, M329fs.
Identifiers: ClinVar variation 1726985 (VCV001726985.2), dbSNP rs2509817015, ClinGen allele CA2580089309.
Genomic context (GRCh38, chr15:34,254,481, plus strand): 5'-CCAGGAAAAGTGAGGCAAACTTGTTCACATAGCGTACGCCGATAAATACCACTAATACCA[TA>T]AGGACCAAGAAAGCTGTGCCGTAGACACGCATGTTATTTAGCATGGCTGCTGATTCCTTG-3'

ClinVar aggregate classification (germline): Likely pathogenic (1 of 4 stars; one submission).

Conditions:
Agenesis of the corpus callosum with peripheral neuropathy (ACCPN). Also called: CHARLEVOIX DISEASE; POLYNEUROPATHY, SENSORIMOTOR, WITH OR WITHOUT AGENESIS OF THE CORPUS CALLOSUM; HMSN/ACC; Hereditary Motor and Sensory Neuropathy with Agenesis of the Corpus Callosum. Identifiers: Orphanet 1496, MedGen C0795950, MONDO:0000902, OMIM 218000. Disease mechanism: loss of function.

Submission:

Myriad Genetics, Inc.
Classification: Likely pathogenic for Agenesis of the corpus callosum with peripheral neuropathy. Last evaluated: 2022-01-06. Review status: criteria provided, single submitter. Criteria: Myriad Women's Health Autosomal Recessive and X-Linked Classification Criteria (2021). Collection method: clinical testing. Allele origin: unknown.
Comment: NM_133647.1(SLC12A6):c.984delT(M329Wfs*3) is expected to be pathogenic in the context of Andermann syndrome. This variant is predicted to lead to an abnormal or absent protein product due to the creation of a premature termination codon in SLC12A6, a gene where loss-of-function variants are known to be pathogenic. Please note: this variant was assessed in the context of healthy population screening.